The following is an entry in ClinVar:

NM_006070.6(TFG):c.286C>T (p.Pro96Ser)

Gene: TFG (trafficking from ER to golgi regulator; plus strand). Cytogenetic location: 3q12.2.
Variant type: single nucleotide variant.
Coding change: c.286C>T on transcript NM_006070.6 (MANE Select); coding-DNA position 286, C replaced by T.
Protein change: p.Pro96Ser; replaces proline 96 with serine.
Molecular consequence: missense variant.
Genome position (GRCh38, 1-based): chr3:100,728,729, C>T. VCF-style: chr3-100728729-C-T. GRCh37 (hg19) VCF-style: chr3-100447573-C-T.
Other names: c.286C>T, p.Pro96Ser (NM_001007565.2, NM_001195478.2, NM_001195479.2); short protein forms P96S.
Identifiers: ClinVar variation 835424 (VCV000835424.11), dbSNP rs1435777080, ClinGen allele CA353842143.

ClinVar aggregate classification (germline): Uncertain significance (1 of 4 stars; one submission).

Conditions:
Hereditary motor and sensory neuropathy, Okinawa type (HMSNO). Also called: HEREDITARY MOTOR AND SENSORY NEUROPATHY, PROXIMAL TYPE. Identifiers: Orphanet 90117, MedGen C1858338, MONDO:0011468, OMIM 604484.
Hereditary spastic paraplegia 57. Also called: Spastic paraplegia 57, autosomal recessive. Identifiers: Orphanet 431329, MedGen C3714897, MONDO:0014295, OMIM 615658.

Allele frequency attached by ClinVar (database versions not stated): TOPMed below 0.00001; gnomAD 0.00001.

Submission:

Labcorp Genetics (formerly Invitae), Labcorp
Classification: Uncertain significance for Hereditary motor and sensory neuropathy, Okinawa type; Hereditary spastic paraplegia 57. Last evaluated: 2022-06-13. Review status: criteria provided, single submitter. Criteria: Invitae Variant Classification Sherloc (09022015). Collection method: clinical testing. Allele origin: germline.
Comment: This variant is present in population databases (no rsID available, gnomAD 0.01%). This sequence change replaces proline, which is neutral and non-polar, with serine, which is neutral and polar, at codon 96 of the TFG protein (p.Pro96Ser). This missense change has been observed in individual(s) with clinical features of hereditary motor & sensory neuropathy (Invitae). ClinVar contains an entry for this variant (Variation ID: 835424). Algorithms developed to predict the effect of missense changes on protein structure and function are either unavailable or do not agree on the potential impact of this missense change (SIFT: "Deleterious"; PolyPhen-2: "Benign"; Align-GVGD: "Class C0"). In summary, the available evidence is currently insufficient to determine the role of this variant in disease. Therefore, it has been classified as a Variant of Uncertain Significance.